The following is an entry in ClinVar:

NM_001009944.3(PKD1):c.6365T>A (p.Val2122Glu)

Gene: PKD1 (polycystin 1, transient receptor potential channel interacting; minus strand). Cytogenetic location: 16p13.3.
Variant type: single nucleotide variant.
Coding change: c.6365T>A on transcript NM_001009944.3 (MANE Select); coding-DNA position 6365, T replaced by A.
Protein change: p.Val2122Glu; replaces valine 2122 with glutamic acid.
Molecular consequence: missense variant.
Genome position (GRCh38, 1-based): chr16:2,108,802, A>T on the plus strand (T>A on the coding strand, the complement: PKD1 is on the minus strand). VCF-style: chr16-2108802-A-T. GRCh37 (hg19) VCF-style: chr16-2158803-A-T.
Other names: c.6365T>A, p.Val2122Glu (NM_000296.4); short protein forms V2122E.
Identifiers: ClinVar variation 3370323 (VCV003370323.1).
Genomic context (GRCh38, chr16:2,108,802, plus strand): 5'-TGGACGGTCACCGTGGCCTGCGCCACGAAGAAGCTCACCAGGTTGGAGGCGTTCACCTGC[A>T]CGCGGTAGTCCCCAGGCCTCAGGTAGGAGTGCTCGGCCCTGGGCTCATCTGTGTCCTGCC-3'
Protein context (NP_001009944.3, residues 2112-2132): HSYLRPGDYR[Val2122Glu]QVNASNLVSF

ClinVar aggregate classification (germline): Uncertain significance (1 of 4 stars; one submission).

Conditions:
Polycystic kidney disease, adult type (PKD1). Also called: POLYCYSTIC KIDNEY DISEASE, ADULT, TYPE I; Polycystic Kidney Disease 1, Autosomal Dominant; Polycystic kidney disease 1; Polycystic kidney disease 1, severe; Polycystic Kidney, Autosomal Dominant; POLYCYSTIC KIDNEY DISEASE 1 WITH OR WITHOUT POLYCYSTIC LIVER DISEASE. Identifiers: MedGen C3149841, MONDO:0008263, OMIM 173900.

Submission:

MVZ Medizinische Genetik Mainz
Classification: Uncertain significance for Polycystic kidney disease, adult type. Last evaluated: 2024-10-01. Review status: criteria provided, single submitter. Criteria: UK Practice Guidelines For Variant Classification V4 01 2020. Collection method: clinical testing. Allele origin: germline. Inheritance: Autosomal dominant inheritance. Affected: yes. Observed: 1 variant allele.
Comment: ACMG Criteria: PM2_SUP,PP4